The following is an entry in ClinVar:

ClinVar aggregate classification (germline): Uncertain significance (1 of 4 stars; one submission).

Allele frequency attached by ClinVar (database versions not stated): TOPMed below 0.00001.
gnomAD v4.1: 10 of 1,613,506 alleles (0.00062%); highest among the groups gnomAD compares: Non-Finnish European, 0.00068%; no homozygotes.

Submission:

Labcorp Genetics (formerly Invitae), Labcorp
Classification: Uncertain significance. Last evaluated: 2024-08-05. Review status: criteria provided, single submitter. Criteria: Invitae Variant Classification Sherloc (09022015). Collection method: clinical testing. Allele origin: germline.
Comment: This sequence change replaces alanine, which is neutral and non-polar, with valine, which is neutral and non-polar, at codon 1225 of the COL7A1 protein (p.Ala1225Val). RNA analysis indicates that this missense change induces altered splicing and likely results in the loss of 17 amino acid residue(s), but is expected to preserve the integrity of the reading-frame. This variant is present in population databases (no rsID available, gnomAD 0.0009%). This missense change has been observed in individual(s) with autosomal recessive dystrophic epidermolysis bullosa (PMID: 29182795). ClinVar contains an entry for this variant (Variation ID: 2149669). Advanced modeling of protein sequence and biophysical properties (such as structural, functional, and spatial information, amino acid conservation, physicochemical variation, residue mobility, and thermodynamic stability) performed at Invitae indicates that this missense variant is not expected to disrupt COL7A1 protein function with a negative predictive value of 95%. Studies have shown that this missense change results in the activation of a cryptic splice site in exon 27 (PMID: 29182795). In summary, the available evidence is currently insufficient to determine the role of this variant in disease. Therefore, it has been classified as a Variant of Uncertain Significance.

Literature cited by the submitters: PubMed 29182795.

NM_000094.4(COL7A1):c.3674C>T (p.Ala1225Val)

Gene: COL7A1 (collagen type VII alpha 1 chain; minus strand). Cytogenetic location: 3p21.31.
Variant type: single nucleotide variant.
Coding change: c.3674C>T on transcript NM_000094.4 (MANE Select); coding-DNA position 3674, C replaced by T.
Protein change: p.Ala1225Val; replaces alanine 1225 with valine.
Molecular consequence: missense variant.
Genome position (GRCh38, 1-based): chr3:48,586,123, G>A on the plus strand (C>T on the coding strand, the complement: COL7A1 is on the minus strand). VCF-style: chr3-48586123-G-A. GRCh37 (hg19) VCF-style: chr3-48623556-G-A.
Other names: short protein forms A1225V.
Identifiers: ClinVar variation 2149669 (VCV002149669.2), dbSNP rs1228667876, ClinGen allele CA352702906.